The following is an entry in ClinVar:

ClinVar aggregate classification (germline): Uncertain significance (1 of 4 stars; one submission).

Allele frequency attached by ClinVar (database versions not stated): gnomAD exomes below 0.00001; gnomAD 0.00002; TOPMed 0.00002.
gnomAD v4.1: 6 of 1,358,066 alleles (0.00044%); highest among the groups gnomAD compares: South Asian, 0.0024%; no homozygotes.

Submission:

Labcorp Genetics (formerly Invitae), Labcorp
Classification: Uncertain significance. Last evaluated: 2022-07-29. Review status: criteria provided, single submitter. Criteria: Invitae Variant Classification Sherloc (09022015). Collection method: clinical testing. Allele origin: germline.
Comment: This variant has not been reported in the literature in individuals affected with COLGALT1-related conditions. In summary, the available evidence is currently insufficient to determine the role of this variant in disease. Therefore, it has been classified as a Variant of Uncertain Significance. Algorithms developed to predict the effect of missense changes on protein structure and function are either unavailable or do not agree on the potential impact of this missense change (SIFT: "Not Available"; PolyPhen-2: "Possibly Damaging"; Align-GVGD: "Not Available"). This variant is not present in population databases (gnomAD no frequency). This sequence change replaces arginine, which is basic and polar, with tryptophan, which is neutral and slightly polar, at codon 457 of the COLGALT1 protein (p.Arg457Trp).

NM_024656.4(COLGALT1):c.1369C>T (p.Arg457Trp)

Gene: COLGALT1 (collagen beta(1-O)galactosyltransferase 1; plus strand). Cytogenetic location: 19p13.11.
Variant type: single nucleotide variant.
Coding change: c.1369C>T on transcript NM_024656.4 (MANE Select); coding-DNA position 1369, C replaced by T.
Protein change: p.Arg457Trp; replaces arginine 457 with tryptophan.
Molecular consequence: missense variant.
Genome position (GRCh38, 1-based): chr19:17,579,584, C>T. VCF-style: chr19-17579584-C-T. GRCh37 (hg19) VCF-style: chr19-17690393-C-T.
Other names: short protein forms R457W.
Identifiers: ClinVar variation 2101963 (VCV002101963.4), dbSNP rs1467876864, ClinGen allele CA404714201.